The following is an entry in ClinVar:

NM_001197104.2(KMT2A):c.6590G>A (p.Arg2197His)

Gene: KMT2A (lysine methyltransferase 2A; plus strand). Cytogenetic location: 11q23.3.
Variant type: single nucleotide variant.
Coding change: c.6590G>A on transcript NM_001197104.2 (MANE Select); coding-DNA position 6590, G replaced by A.
Protein change: p.Arg2197His; replaces arginine 2197 with histidine.
Molecular consequence: missense variant.
Genome position (GRCh38, 1-based): chr11:118,502,482, G>A. VCF-style: chr11-118502482-G-A. GRCh37 (hg19) VCF-style: chr11-118373197-G-A.
Other names: c.6581G>A, p.Arg2194His (NM_005933.4); short protein forms R2194H, R2197H.
Identifiers: ClinVar variation 1020849 (VCV001020849.12), dbSNP rs370899148, ClinGen allele CA6304274.

ClinVar aggregate classification (germline): Conflicting classifications of pathogenicity. Review status: criteria provided, conflicting classifications (1 of 4 stars). 3 submissions from 3 submitters: Uncertain significance (1); Benign (1); Likely benign (1). Last evaluated 2026-05-28.

Conditions:
Inborn genetic diseases. Identifiers: MedGen C0950123, MeSH D030342.

Allele frequency attached by ClinVar (database versions not stated): TOPMed 0.00005; gnomAD exomes 0.00006 and 0.00002; gnomAD 0.00003; ExAC 0.00002; ESP Exome Variant Server 0.00008.
gnomAD v4.1: 33 of 1,613,802 alleles (0.002%); highest among the groups gnomAD compares: Admixed American, 0.032%; no homozygotes.

Submissions (3):

Ambry Genetics
Classification: Likely benign for Inborn genetic diseases. Last evaluated: 2026-05-28. Review status: criteria provided, single submitter. Criteria: Ambry Variant Classification Scheme 2023. Collection method: clinical testing. Allele origin: germline.

Labcorp Genetics (formerly Invitae), Labcorp
Classification: Uncertain significance. Last evaluated: 2025-11-09. Review status: criteria provided, single submitter. Criteria: Invitae Variant Classification Sherloc (09022015). Collection method: clinical testing. Allele origin: germline.
Comment: This sequence change replaces arginine, which is basic and polar, with histidine, which is basic and polar, at codon 2197 of the KMT2A protein (p.Arg2197His). This variant is present in population databases (rs370899148, gnomAD 0.03%), and has an allele count higher than expected for a pathogenic variant. This variant has not been reported in the literature in individuals affected with KMT2A-related conditions. ClinVar contains an entry for this variant (Variation ID: 1020849). Invitae Evidence Modeling of protein sequence and biophysical properties (such as structural, functional, and spatial information, amino acid conservation, physicochemical variation, residue mobility, and thermodynamic stability) has been performed for this missense variant. However, the output from this modeling did not meet the statistical confidence thresholds required to predict the impact of this variant on KMT2A protein function. In summary, the available evidence is currently insufficient to determine the role of this variant in disease. Therefore, it has been classified as a Variant of Uncertain Significance.

GeneDx
Classification: Benign. Last evaluated: 2019-04-18. Review status: criteria provided, single submitter. Criteria: GeneDx Variant Classification Process June 2021. Collection method: clinical testing. Allele origin: germline. Affected: yes.